The following is an entry in ClinVar:

ClinVar aggregate classification (germline): Uncertain significance (1 of 4 stars; one submission).

gnomAD v4.1: 1 of 1,614,100 alleles (0.000062%); highest among the groups gnomAD compares: South Asian, 0.0011%; no homozygotes.

Submission:

Labcorp Genetics (formerly Invitae), Labcorp
Classification: Uncertain significance. Last evaluated: 2025-06-05. Review status: criteria provided, single submitter. Criteria: Invitae Variant Classification Sherloc (09022015). Collection method: clinical testing. Allele origin: germline.
Comment: This sequence change replaces aspartic acid, which is acidic and polar, with histidine, which is basic and polar, at codon 425 of the WFS1 protein (p.Asp425His). This variant is present in population databases (no rsID available, gnomAD 0.003%). This variant has not been reported in the literature in individuals affected with WFS1-related conditions. ClinVar contains an entry for this variant (Variation ID: 3637004). Invitae Evidence Modeling of protein sequence and biophysical properties (such as structural, functional, and spatial information, amino acid conservation, physicochemical variation, residue mobility, and thermodynamic stability) indicates that this missense variant is not expected to disrupt WFS1 protein function with a negative predictive value of 95%. In summary, the available evidence is currently insufficient to determine the role of this variant in disease. Therefore, it has been classified as a Variant of Uncertain Significance.

NM_006005.3(WFS1):c.1273G>C (p.Asp425His)

Gene: WFS1 (wolframin ER transmembrane glycoprotein; plus strand). Cytogenetic location: 4p16.1.
Variant type: single nucleotide variant.
Coding change: c.1273G>C on transcript NM_006005.3 (MANE Select); coding-DNA position 1273, G replaced by C.
Protein change: p.Asp425His; replaces aspartic acid 425 with histidine.
Molecular consequence: missense variant.
Genome position (GRCh38, 1-based): chr4:6,301,068, G>C. VCF-style: chr4-6301068-G-C. GRCh37 (hg19) VCF-style: chr4-6302795-G-C.
Other names: c.1273G>C, p.Asp425His (NM_001145853.1); short protein forms D425H.
Identifiers: ClinVar variation 3637004 (VCV003637004.2).